The following is an entry in ClinVar:

ClinVar aggregate classification (germline): Likely benign (1 of 4 stars; one submission).

Conditions:
Autosomal dominant cerebellar ataxia. Also called: Spinocerebellar Ataxia, Dominant. Identifiers: Orphanet 99, MedGen C4087347, MONDO:0020380.

Allele frequency attached by ClinVar (database versions not stated): gnomAD 0.00098 and 0.00102; TOPMed 0.00115; 1000 Genomes Project 30x 0.00172; 1000 Genomes Project 0.00180.

Submission:

Illumina Laboratory Services, Illumina
Classification: Likely benign for Spinocerebellar Ataxia, Dominant. Last evaluated: 2018-01-13. Review status: criteria provided, single submitter. Criteria: ICSL Variant Classification Criteria 13 December 2019. Collection method: clinical testing. Allele origin: germline.
Comment: This variant was observed in the ICSL laboratory as part of a predisposition screen in an ostensibly healthy population. It had not been previously curated by ICSL or reported in the Human Gene Mutation Database (HGMD: prior to June 1st, 2018), and was therefore a candidate for classification through an automated scoring system. Utilizing variant allele frequency, disease prevalence and penetrance estimates, and inheritance mode, an automated score was calculated to assess if this variant is too frequent to cause the disease. Based on the score and internal cut-off values, a variant classified as likely benign is not then subjected to further curation. The score for this variant resulted in a classification of likely benign for this disease.

NM_001378452.1(ITPR1):c.*1198C>T

Gene: ITPR1 (inositol 1,4,5-trisphosphate receptor type 1; plus strand). Cytogenetic location: 3p26.1.
Variant type: single nucleotide variant.
Coding change: c.*1198C>T on transcript NM_001378452.1 (MANE Select); 1198 bases downstream of the stop codon, C replaced by T.
Molecular consequence: 3 prime UTR variant.
Genome position (GRCh38, 1-based): chr3:4,847,423, C>T. VCF-style: chr3-4847423-C-T. GRCh37 (hg19) VCF-style: chr3-4889107-C-T.
Other names: c.*1198C>T (NM_001099952.4, NM_001168272.2, NM_002222.7).
Identifiers: ClinVar variation 345922 (VCV000345922.5), dbSNP rs367636150, ClinGen allele CA10616836.